The following is an entry in ClinVar:

ClinVar aggregate classification (germline): Pathogenic. Review status: criteria provided, multiple submitters, no conflicts (2 of 4 stars). 13 submissions from 13 submitters: Pathogenic (12). 1 of the submissions does not count toward it. Last evaluated 2025-07-21.

Conditions:
MASS syndrome (OCTD). Also called: MASS PHENOTYPE; OVERLAP CONNECTIVE TISSUE DISEASE. Identifiers: MedGen C1858556, MONDO:0011431, OMIM 604308.
Weill-Marchesani syndrome 2, dominant. Also called: Weill-Marchesani Syndrome, Autosomal Dominant; FBN1-Related Weill-Marchesani Syndrome. Identifiers: Orphanet 2084, MedGen C1869115, MONDO:0012013, OMIM 608328.
Geleophysic dysplasia 2 (GPHYSD2). Identifiers: Orphanet 2623, MedGen C3280054, MONDO:0013612, OMIM 614185.
Progeroid and marfanoid aspect-lipodystrophy syndrome. Also called: MARFANOID-PROGEROID SYNDROME; MARFAN-PROGEROID-LIPODYSTROPHY SYNDROME; Marfan lipodystrophy syndrome; MARFANOID-PROGEROID-LIPODYSTROPHY SYNDROME. Identifiers: Orphanet 300382, MedGen C4310796, MONDO:0014831, OMIM 616914.
Marfan syndrome (MFS). Also called: Marfan syndrome type 1; Marfan's syndrome; MARFAN SYNDROME, TYPE I; Marfan syndrome, classic; FBN1-Related Marfan Syndrome. Identifiers: Orphanet 284963, Orphanet 558, MedGen C0024796, MONDO:0007947, OMIM 154700.
Acromicric dysplasia (ACMICD). Also called: Acromicric skeletal dysplasia. Identifiers: Orphanet 969, MedGen C0265287, MONDO:0007055, OMIM 102370.
Ectopia lentis 1, isolated, autosomal dominant (ECTOL1). Identifiers: Orphanet 1885, MedGen C3541518, MONDO:0007514, OMIM 129600.
Stiff skin syndrome (SSKS). Identifiers: Orphanet 2833, MedGen C1861456, MONDO:0008492, OMIM 184900.
Familial ectopia lentis. Identifiers: MedGen C2746069.
Familial thoracic aortic aneurysm and aortic dissection (TAAD). Also called: Thoracic aortic aneurysms and dissections. Identifiers: Orphanet 91387, MedGen C4707243, MONDO:0019625.
FBN1-related disorder. Also called: FBN1-related disorders.

Allele frequency attached by ClinVar (database versions not stated): gnomAD exomes below 0.00001.
gnomAD v4.1: 2 of 1,613,068 alleles (0.00012%); highest among the groups gnomAD compares: Non-Finnish European, 0.00017%; no homozygotes.

Submissions 1 to 8 of 13:

Color Diagnostics, LLC DBA Color Health
Classification: Pathogenic for Familial thoracic aortic aneurysm and aortic dissection. Last evaluated: 2025-07-21. Review status: criteria provided, single submitter. Criteria: ACMG Guidelines, 2015. Collection method: clinical testing. Allele origin: germline.
Comment: This missense variant replaces arginine with cysteine at codon 62 of the FBN1 protein. Computational prediction suggests that this variant may have a deleterious impact on protein structure and function. To our knowledge, functional studies have not been reported for this variant. This variant has been reported in individuals affected with Marfan syndrome (PMID: 11826022, 19293843, 24161884, 25053872, 25944730, 32679894), in individuals affected with ectopia lentis (PMID: 12203992, 16765689, 22950452, 33576469, 34281902), and has been reported to occur de novo in affected individuals (PMID: 12203992, 19293843). It has been shown that this variant segregates with disease in multiple affected individuals across two large families (PMID: 16765689, 22950452). This variant has not been identified in the general population by the Genome Aggregation Database (gnomAD). Based on the available evidence, this variant is classified as Pathogenic.

Labcorp Genetics (formerly Invitae), Labcorp
Classification: Pathogenic for Marfan syndrome; Familial thoracic aortic aneurysm and aortic dissection. Last evaluated: 2025-06-11. Review status: criteria provided, single submitter. Criteria: Invitae Variant Classification Sherloc (09022015). Collection method: clinical testing. Allele origin: germline.
Comment: This sequence change replaces arginine, which is basic and polar, with cysteine, which is neutral and slightly polar, at codon 62 of the FBN1 protein (p.Arg62Cys). This variant is not present in population databases (gnomAD no frequency). This missense change has been observed in individual(s) with ectopia lentis (PMID: 11826022, 12203992, 16765689, 22950452, 25053872, 25944730, 27611364). In at least one individual the variant was observed to be de novo. It has also been observed to segregate with disease in related individuals. This variant is also known as R114C. ClinVar contains an entry for this variant (Variation ID: 42295). Invitae Evidence Modeling of protein sequence and biophysical properties (such as structural, functional, and spatial information, amino acid conservation, physicochemical variation, residue mobility, and thermodynamic stability) indicates that this missense variant is expected to disrupt FBN1 protein function with a positive predictive value of 95%. For these reasons, this variant has been classified as Pathogenic.

Ambry Genetics
Classification: Pathogenic for Familial thoracic aortic aneurysm and aortic dissection. Last evaluated: 2025-04-14. Review status: criteria provided, single submitter. Criteria: Ambry Variant Classification Scheme 2023. Collection method: clinical testing. Allele origin: germline.
Comment: The c.184C>T (p.R62C) alteration is located in exon 3 (coding exon 2) of the FBN1 gene. This alteration results from a C to T substitution at nucleotide position 184, causing the arginine (R) at amino acid position 62 to be replaced by a cysteine (C). This variant was not reported in population-based cohorts in the Genome Aggregation Database (gnomAD). This variant has been reported in several patients with ectopia lentis and Marfan syndrome; in at least one individual, it was determined to be de novo (K&ouml;rkk&ouml;, 2002; Katzke, 2002). In addition, this variant has been observed to co-segregate in multiple relatives in families with bilateral ectopia lentis (Yu, 2006). This amino acid position is well conserved in available vertebrate species. The majority of FBN1 mutations identified to date have involved the substitution or generation of cysteine residues within cbEGF domains (Vollbrandt, 2004). This alteration is predicted to be deleterious by in silico analysis. Based on the available evidence, this alteration is classified as pathogenic.

Blueprint Genetics
Classification: Pathogenic for FBN1-related disorders. Last evaluated: 2023-10-06. Review status: criteria provided, single submitter. Criteria: ACMG Guidelines, 2015. Collection method: clinical testing. Allele origin: germline. Affected: yes. Observed: 2 variant alleles.

Revvity Omics, Revvity
Classification: Pathogenic. Last evaluated: 2023-03-21. Review status: criteria provided, single submitter. Criteria: ACMG Guidelines, 2015. Collection method: clinical testing. Allele origin: germline.

Women's Health and Genetics/Laboratory Corporation of America, LabCorp
Classification: Pathogenic for Familial ectopia lentis. Last evaluated: 2023-01-23. Review status: criteria provided, single submitter. Criteria: LabCorp Variant Classification Summary - May 2015. Collection method: clinical testing. Allele origin: germline.
Comment: Variant summary: FBN1 c.184C>T (p.Arg62Cys) results in a non-conservative amino acid change located in the fibrillin unique N-terminal (FUN) domain (IPR040872) of the encoded protein sequence. Five of five in-silico tools predict a damaging effect of the variant on protein function. The variant was absent in 249372 control chromosomes (gnomAD). The variant, c.184C>T, has been reported in the literature in several individuals, who were mostly affected with Familial Ectopia Lentis, but individuals affected with (suspected) Marfan Syndrome were also described (e.g. Korkko_2002, Katzke_2002, Robinson_2011, Yu_2006, Zhao_2012, Chen_2022); in several families the variant co-segregated with ectopia lentis. These data indicate that the variant is very likely to be associated with disease. At least one publication reported experimental evidence evaluating an impact on protein function, and demonstrated that the variant might affect TGF-beta1 signaling (Chaudhry_2007). Eight clinical diagnostic laboratories have submitted clinical-significance assessments for this variant to ClinVar after 2014 without evidence for independent evaluation, and all classified the variant as pathogenic/likely pathogenic. Based on the evidence outlined above, the variant was classified as pathogenic.

GeneDx
Classification: Pathogenic. Last evaluated: 2022-05-17. Review status: criteria provided, single submitter. Criteria: GeneDx Variant Classification Process June 2021. Collection method: clinical testing. Allele origin: germline. Affected: yes.
Comment: Identified primarily in patients with isolated ectopia lentis (EL) in published literature (Korkko et al., 2002; Katzke et al., 2002; Ades et al., 2004; Yu et al., 2006; Zhao et al., 2013; Wooderchak-Donahue et al., 2015; Stark et al., 2020; Chen et al., 2021; Zhou et al., 2021) and in patients referred for genetic testing at GeneDx; Identified in a patient with bilateral ectopia lentis, aortic dilation, and arachnodactyly (Katze et al., 2002); Not observed at significant frequency in large population cohorts (gnomAD); Does not affect a cysteine residue within a calcium-binding EGF-like domain of the FBN1 gene; cysteine substitutions in the calcium-binding EGF-like domains represent the majority of pathogenic missense changes associated with FBN1-related disorders (Collod-Beroud et al., 2003); Arginine (R) to cysteine (C) changes in the FBN1 are suspected to be predominantly associated with isolated EL (Jin et al., 2007); In silico analysis supports that this missense variant has a deleterious effect on protein structure/function; This variant is associated with the following publications: (PMID: 11826022, 18079676, 15054843, 27611364, 25944730, 16765689, 22950452, 32123317, 12203987, 12203992, 17679947, 32679894, 34281902, 33576469)

Fulgent Genetics
Classification: Pathogenic for Acromicric dysplasia; Ectopia lentis 1, isolated, autosomal dominant; Marfan syndrome; Stiff skin syndrome; MASS syndrome; Weill-Marchesani syndrome 2, dominant; Geleophysic dysplasia 2; Progeroid and marfanoid aspect-lipodystrophy syndrome. Last evaluated: 2021-11-09. Review status: criteria provided, single submitter. Criteria: ACMG Guidelines, 2015. Collection method: clinical testing. Allele origin: unknown.

NM_000138.5(FBN1):c.184C>T (p.Arg62Cys)

Gene: FBN1 (fibrillin 1; minus strand). Cytogenetic location: 15q21.1.
Variant type: single nucleotide variant.
Coding change: c.184C>T on transcript NM_000138.5 (MANE Select); coding-DNA position 184, C replaced by T.
Protein change: p.Arg62Cys; replaces arginine 62 with cysteine.
Molecular consequence: missense variant.
Genome position (GRCh38, 1-based): chr15:48,613,073, G>A on the plus strand (C>T on the coding strand, the complement: FBN1 is on the minus strand). VCF-style: chr15-48613073-G-A. GRCh37 (hg19) VCF-style: chr15-48905270-G-A.
Other names: short protein forms R62C.
Identifiers: ClinVar variation 42295 (VCV000042295.105), dbSNP rs25403, ClinGen allele CA012607.